The following is an entry in ClinVar:

ClinVar aggregate classification (germline): Uncertain significance (1 of 4 stars; one submission).

Conditions:
Aicardi-Goutieres syndrome 3. Identifiers: Orphanet 51, MedGen C1835916, MONDO:0012471, OMIM 610329.

gnomAD v4.1: 2 of 1,614,106 alleles (0.00012%); highest among the groups gnomAD compares: Middle Eastern, 0.016%; no homozygotes.

Submission:

Labcorp Genetics (formerly Invitae), Labcorp
Classification: Uncertain significance for Aicardi-Goutieres syndrome 3. Last evaluated: 2022-08-21. Review status: criteria provided, single submitter. Criteria: Invitae Variant Classification Sherloc (09022015). Collection method: clinical testing. Allele origin: germline.
Comment: This variant is present in population databases (no rsID available, gnomAD 0.0009%). This sequence change replaces glycine, which is neutral and non-polar, with valine, which is neutral and non-polar, at codon 65 of the RNASEH2C protein (p.Gly65Val). This variant has not been reported in the literature in individuals affected with RNASEH2C-related conditions. In summary, the available evidence is currently insufficient to determine the role of this variant in disease. Therefore, it has been classified as a Variant of Uncertain Significance. Algorithms developed to predict the effect of missense changes on protein structure and function (SIFT, PolyPhen-2, Align-GVGD) all suggest that this variant is likely to be disruptive.

NM_032193.4(RNASEH2C):c.194G>T (p.Gly65Val)

Gene: RNASEH2C (ribonuclease H2 subunit C; minus strand). Cytogenetic location: 11q13.1.
Variant type: single nucleotide variant.
Coding change: c.194G>T on transcript NM_032193.4 (MANE Select); coding-DNA position 194, G replaced by T.
Protein change: p.Gly65Val; replaces glycine 65 with valine.
Molecular consequence: missense variant.
Genome position (GRCh38, 1-based): chr11:65,720,396, C>A on the plus strand (G>T on the coding strand, the complement: RNASEH2C is on the minus strand). VCF-style: chr11-65720396-C-A. GRCh37 (hg19) VCF-style: chr11-65487867-C-A.
Other names: short protein forms G65V.
Identifiers: ClinVar variation 1717468 (VCV001717468.5), dbSNP rs554234154, ClinGen allele CA381299030.